The following is an entry in ClinVar:

ClinVar aggregate classification (germline): Uncertain significance (1 of 4 stars; one submission).

Conditions:
Hereditary cancer-predisposing syndrome. Also called: Neoplastic Syndromes, Hereditary; Tumor predisposition; Hereditary Cancer Syndrome; Hereditary neoplastic syndrome. Identifiers: Orphanet 140162, MedGen C0027672, MeSH D009386, MONDO:0015356.

Submission:

Ambry Genetics
Classification: Uncertain significance for Hereditary cancer-predisposing syndrome. Last evaluated: 2026-02-23. Review status: criteria provided, single submitter. Criteria: Ambry Variant Classification Scheme 2023. Collection method: clinical testing. Allele origin: germline.
Comment: The p.D1084E variant (also known as c.3252C>A), located in coding exon 27 of the EGFR gene, results from a C to A substitution at nucleotide position 3252. The aspartic acid at codon 1084 is replaced by glutamic acid, an amino acid with highly similar properties. This amino acid position is conserved. In addition, this alteration is predicted to be tolerated by in silico analysis. Based on the available evidence, the clinical significance of this variant remains unclear.

NM_005228.5(EGFR):c.3252C>A (p.Asp1084Glu)

Gene: EGFR (epidermal growth factor receptor; plus strand). Cytogenetic location: 7p11.2.
Variant type: single nucleotide variant.
Coding change: c.3252C>A on transcript NM_005228.5 (MANE Select); coding-DNA position 3252, C replaced by A.
Protein change: p.Asp1084Glu; replaces aspartic acid 1084 with glutamic acid.
Molecular consequence: missense variant.
Genome position (GRCh38, 1-based): chr7:55,202,606, C>A. VCF-style: chr7-55202606-C-A. GRCh37 (hg19) VCF-style: chr7-55270299-C-A.
Other names: c.3117C>A, p.Asp1039Glu (NM_001346897.2, NM_001346899.2); c.3252C>A, p.Asp1084Glu (NM_001346898.2); c.3093C>A, p.Asp1031Glu (NM_001346900.2); c.2451C>A, p.Asp817Glu (NM_001346941.2); short protein forms D1031E, D1039E, D817E, D1084E.
Identifiers: ClinVar variation 4826836 (VCV004826836.1).